The following is an entry in ClinVar:

NM_000368.5(TSC1):c.3321C>T (p.Asp1107=)

Gene: TSC1 (TSC complex subunit 1; minus strand). Cytogenetic location: 9q34.13.
Variant type: single nucleotide variant.
Coding change: c.3321C>T on transcript NM_000368.5 (MANE Select); coding-DNA position 3321, C replaced by T.
Protein change: p.Asp1107=; no amino-acid change (aspartic acid 1107 retained).
Molecular consequence: synonymous variant.
Genome position (GRCh38, 1-based): chr9:132,896,409, G>A on the plus strand (C>T on the coding strand, the complement: TSC1 is on the minus strand). VCF-style: chr9-132896409-G-A. GRCh37 (hg19) VCF-style: chr9-135771796-G-A.
Other names: c.3318C>T, p.Asp1106= (NM_001162426.2); c.3168C>T, p.Asp1056= (NM_001162427.2); c.2958C>T, p.Asp986= (NM_001362177.2).
Identifiers: ClinVar variation 49022 (VCV000049022.47), dbSNP rs118203752, ClinGen allele CA007312.

ClinVar aggregate classification (germline): Benign/Likely benign. Review status: criteria provided, multiple submitters, no conflicts (2 of 4 stars). 10 submissions from 10 submitters: Benign (2); Likely benign (7). 1 of the submissions does not count toward it. Last evaluated 2026-09-01.

Conditions:
Hereditary cancer-predisposing syndrome. Also called: Neoplastic Syndromes, Hereditary; Tumor predisposition; Hereditary Cancer Syndrome; Hereditary neoplastic syndrome. Identifiers: Orphanet 140162, MedGen C0027672, MeSH D009386, MONDO:0015356.
Tuberous sclerosis syndrome (TSC). Also called: Tuberous Sclerosis Complex; Tuberous sclerosis. Identifiers: Orphanet 805, MedGen C0041341, MONDO:0001734.
Tuberous sclerosis 1 (TSC1). Identifiers: Orphanet 805, MedGen C1854465, MONDO:0008612, OMIM 191100.

Allele frequency attached by ClinVar (database versions not stated): 1000 Genomes Project 30x 0.00016; 1000 Genomes Project 0.00020; gnomAD 0.00001 and 0.00002; gnomAD exomes 0.00001 and 0.00002; TOPMed 0.00001; ExAC 0.00002.
gnomAD v4.1: 23 of 1,614,178 alleles (0.0014%); highest among the groups gnomAD compares: African/African-American, 0.0027%; no homozygotes.

Submissions (10):

CeGaT Center for Human Genetics Tuebingen
Classification: Likely benign. Last evaluated: 2026-09-01. Review status: criteria provided, single submitter. Criteria: CeGaT Center For Human Genetics Tuebingen Variant Classification Criteria Version 2. Collection method: clinical testing. Allele origin: germline. Affected: yes. Observed: 2 variant alleles.
Comment: TSC1: BP4, BP7

Labcorp Genetics (formerly Invitae), Labcorp
Classification: Likely benign for Tuberous sclerosis 1. Last evaluated: 2025-12-24. Review status: criteria provided, single submitter. Criteria: Invitae Variant Classification Sherloc (09022015). Collection method: clinical testing. Allele origin: germline.

Myriad Genetics, Inc.
Classification: Benign for Tuberous sclerosis 1. Last evaluated: 2025-04-30. Review status: criteria provided, single submitter. Criteria: Myriad Autosomal Dominant, Autosomal Recessive and X-Linked Classification Criteria (2023). Collection method: clinical testing. Allele origin: unknown.
Comment: This variant is considered benign. This variant is a silent/synonymous amino acid change and it is not expected to impact splicing.

All of Us Research Program, National Institutes of Health
Classification: Likely benign for Tuberous sclerosis syndrome. Last evaluated: 2024-05-17. Review status: criteria provided, single submitter. Criteria: ACMG Guidelines, 2015. Collection method: clinical testing. Allele origin: germline. Inheritance: Autosomal dominant inheritance. Observed: 7 variant alleles, 7 heterozygotes.
Comment: This study involves interpretation of variants in research participants for the purpose of population health screening. Participant phenotype was not available at the time of variant classification. Additional details can be found in publication PMID: 35346344, PMCID: PMC8962531

Color Diagnostics, LLC DBA Color Health
Classification: Likely benign for Tuberous sclerosis syndrome. Last evaluated: 2022-11-06. Review status: criteria provided, single submitter. Criteria: ACMG Guidelines, 2015. Collection method: clinical testing. Allele origin: germline.

Genome-Nilou Lab
Classification: Benign for Tuberous sclerosis 1. Last evaluated: 2021-11-07. Review status: criteria provided, single submitter. Criteria: ACMG Guidelines, 2015. Collection method: clinical testing. Allele origin: germline. Affected: no.

Sema4
Classification: Likely benign for Hereditary cancer-predisposing syndrome. Last evaluated: 2021-09-29. Review status: criteria provided, single submitter. Criteria: Sema4 Curation Guidelines. Collection method: curation. Allele origin: germline.

GeneDx
Classification: Likely benign. Last evaluated: 2021-04-08. Review status: criteria provided, single submitter. Criteria: GeneDx Variant Classification Process June 2021. Collection method: clinical testing. Allele origin: germline. Affected: yes.

Ambry Genetics
Classification: Likely benign for Hereditary cancer-predisposing syndrome. Last evaluated: 2019-11-18. Review status: criteria provided, single submitter. Criteria: Ambry Variant Classification Scheme 2023. Collection method: clinical testing. Allele origin: germline.

Tuberous sclerosis database (TSC1)
No classification provided. Condition: TSC. Review status: no classification provided. Criteria: Tuberous Sclerosis Database Assertion Criteria 2015. Collection method: curation. Allele origin: germline. Affected: yes. Not counted in ClinVar's aggregate classification.